The following is an entry in ClinVar:

ClinVar aggregate classification (germline): Uncertain significance (1 of 4 stars; one submission).

Submission:

Labcorp Genetics (formerly Invitae), Labcorp
Classification: Uncertain significance. Last evaluated: 2024-05-08. Review status: criteria provided, single submitter. Criteria: Invitae Variant Classification Sherloc (09022015). Collection method: clinical testing. Allele origin: germline.
Comment: This sequence change replaces phenylalanine, which is neutral and non-polar, with cysteine, which is neutral and slightly polar, at codon 301 of the CTNNA1 protein (p.Phe301Cys). This variant is not present in population databases (gnomAD no frequency). This variant has not been reported in the literature in individuals affected with CTNNA1-related conditions. ClinVar contains an entry for this variant (Variation ID: 971463). Advanced modeling of protein sequence and biophysical properties (such as structural, functional, and spatial information, amino acid conservation, physicochemical variation, residue mobility, and thermodynamic stability) performed at Invitae indicates that this missense variant is not expected to disrupt CTNNA1 protein function with a negative predictive value of 80%. In summary, the available evidence is currently insufficient to determine the role of this variant in disease. Therefore, it has been classified as a Variant of Uncertain Significance.

NM_001903.5(CTNNA1):c.902T>G (p.Phe301Cys)

Gene: CTNNA1 (catenin alpha 1; plus strand). Cytogenetic location: 5q31.2.
Variant type: single nucleotide variant.
Coding change: c.902T>G on transcript NM_001903.5 (MANE Select); coding-DNA position 902, T replaced by G.
Protein change: p.Phe301Cys; replaces phenylalanine 301 with cysteine.
Molecular consequence: missense variant.
Genome position (GRCh38, 1-based): chr5:138,827,558, T>G. VCF-style: chr5-138827558-T-G. GRCh37 (hg19) VCF-style: chr5-138163247-T-G.
Other names: c.902T>G, p.Phe301Cys (NM_001290307.3, NM_001323982.2, NM_001323983.1 and 3 more transcripts); c.593T>G, p.Phe198Cys (NM_001290309.3); c.533T>G, p.Phe178Cys (NM_001290310.3); short protein forms F301C, F178C, F198C.
Identifiers: ClinVar variation 971463 (VCV000971463.9), dbSNP rs1760847242, ClinGen allele CA361130784.